The following is an entry in ClinVar:

ClinVar aggregate classification (germline): Likely benign (1 of 4 stars; one submission).

Submission:

CeGaT Center for Human Genetics Tuebingen
Classification: Likely benign. Last evaluated: 2025-09-01. Review status: criteria provided, single submitter. Criteria: CeGaT Center For Human Genetics Tuebingen Variant Classification Criteria Version 2. Collection method: clinical testing. Allele origin: germline. Affected: yes. Observed: 1 variant allele.
Comment: CACNA1A: BP4, BP7

NC_000019.10:g.13599914C>A

Gene: CACNA1A (calcium voltage-gated channel subunit alpha1 A; minus strand). Cytogenetic location: 19p13.13.
Variant type: single nucleotide variant.
Genome position: GRCh38 VCF-style: chr19-13599914-C-A. GRCh37 (hg19) VCF-style: chr19-13710728-C-A.
Identifiers: ClinVar variation 4281106 (VCV004281106.7).
Genomic context (GRCh38, chr19:13,599,914, plus strand): 5'-AGGGGGGCCCTCGAAGCAGATGCTGAGCCGGGGAGGCCGAGTGTCCTGCAGGGCGCTGGG[C>A]GTGCCCCGAGCTGCGGTTGTGCAGGGCGTCATAGTAACTGGGGCGCGAGAGCATGGAGTC-3'